The following is an entry in ClinVar:

NM_017934.7(PHIP):c.5193C>G (p.Val1731=)

Genes: IRAK1BP1 (interleukin 1 receptor associated kinase 1 binding protein 1; plus strand), PHIP (PHIP subunit of CUL4-Ring ligase complex; minus strand). Cytogenetic location: 6q14.1.
Variant type: single nucleotide variant.
Coding change: c.5193C>G on transcript NM_017934.7 (MANE Select); coding-DNA position 5193, C replaced by G.
Protein change: p.Val1731=; no amino-acid change (valine 1731 retained).
Molecular consequence: synonymous variant.
Genome position (GRCh38, 1-based): chr6:78,940,966, G>C on the plus strand (C>G on the coding strand, the complement: PHIP is on the minus strand). VCF-style: chr6-78940966-G-C. GRCh37 (hg19) VCF-style: chr6-79650683-G-C.
Other names: c.5193C>G (NM_017934.6).
Identifiers: ClinVar variation 3013982 (VCV003013982.5), dbSNP rs930842042, ClinGen allele CA451117255.

ClinVar aggregate classification (germline): Likely benign. Review status: criteria provided, single submitter (1 of 4 stars). 2 submissions from 2 submitters: Likely benign (1). 1 of the submissions does not count toward it. Last evaluated 2024-03-18.

Conditions:
PHIP-related disorder. Also called: PHIP-related condition; PHIP-related disorders.

Allele frequency attached by ClinVar (database versions not stated): gnomAD exomes 0.00004.
gnomAD v4.1: 63 of 1,613,586 alleles (0.0039%); highest among the groups gnomAD compares: Non-Finnish European, 0.0053%; no homozygotes.

Submissions (2):

Labcorp Genetics (formerly Invitae), Labcorp
Classification: Likely benign. Last evaluated: 2024-03-18. Review status: criteria provided, single submitter. Criteria: Invitae Variant Classification Sherloc (09022015). Collection method: clinical testing. Allele origin: germline.

PreventionGenetics, part of Exact Sciences
Classification: Likely benign for PHIP-related condition. Last evaluated: 2024-01-03. Review status: no assertion criteria provided. Collection method: clinical testing. Allele origin: germline. Not counted in ClinVar's aggregate classification.
Comment: This variant is classified as likely benign based on ACMG/AMP sequence variant interpretation guidelines (Richards et al. 2015 PMID: 25741868, with internal and published modifications).